The following is an entry in ClinVar:

ClinVar aggregate classification (germline): Uncertain significance (1 of 4 stars; one submission).

Conditions:
RASopathy. Also called: rasopathies; Noonan spectrum disorder. Identifiers: Orphanet 536391, MedGen C5555857, MONDO:0021060.

gnomAD v4.1: 2 of 1,566,524 alleles (0.00013%); highest among the groups gnomAD compares: South Asian, 0.0022%; no homozygotes.

Submission:

Labcorp Genetics (formerly Invitae), Labcorp
Classification: Uncertain significance for RASopathy. Last evaluated: 2025-02-28. Review status: criteria provided, single submitter. Criteria: Invitae Variant Classification Sherloc (09022015). Collection method: clinical testing. Allele origin: germline.
Comment: This sequence change replaces proline, which is neutral and non-polar, with threonine, which is neutral and polar, at codon 682 of the CBL protein (p.Pro682Thr). This variant is not present in population databases (gnomAD no frequency). This variant has not been reported in the literature in individuals affected with CBL-related conditions. Invitae Evidence Modeling of protein sequence and biophysical properties (such as structural, functional, and spatial information, amino acid conservation, physicochemical variation, residue mobility, and thermodynamic stability) indicates that this missense variant is not expected to disrupt CBL protein function with a negative predictive value of 95%. In summary, the available evidence is currently insufficient to determine the role of this variant in disease. Therefore, it has been classified as a Variant of Uncertain Significance.

NM_005188.4(CBL):c.2044C>A (p.Pro682Thr)

Gene: CBL (Cbl proto-oncogene; plus strand). Cytogenetic location: 11q23.3.
Variant type: single nucleotide variant.
Coding change: c.2044C>A on transcript NM_005188.4 (MANE Select); coding-DNA position 2044, C replaced by A.
Protein change: p.Pro682Thr; replaces proline 682 with threonine.
Molecular consequence: missense variant.
Genome position (GRCh38, 1-based): chr11:119,296,925, C>A. VCF-style: chr11-119296925-C-A. GRCh37 (hg19) VCF-style: chr11-119167635-C-A.
Other names: short protein forms P682T.
Identifiers: ClinVar variation 4800623 (VCV004800623.1).